The following is an entry in ClinVar:

ClinVar aggregate classification (germline): Pathogenic/Likely pathogenic. Review status: criteria provided, multiple submitters, no conflicts (2 of 4 stars). 3 submissions from 3 submitters: Pathogenic (1); Likely pathogenic (2). Last evaluated 2026-01-23.

Conditions:
Pyruvate dehydrogenase E3 deficiency (DLDD). Also called: Dihydrolipoamide Dehydrogenase (E3) Deficiency; MAPLE SYRUP URINE DISEASE, TYPE III; DLD DEFICIENCY; E3 DEFICIENCY; Dihydrolipoamide Dehydrogenase E3 Deficiency; Lipoamide dehydrogenase deficiency, lactic acidosis due to. Identifiers: Orphanet 2394, Orphanet 765, MedGen C5574660, MONDO:0009529, OMIM 246900.

Submissions (3):

Myriad Genetics, Inc.
Classification: Likely pathogenic for Pyruvate dehydrogenase E3 deficiency. Last evaluated: 2026-01-23. Review status: criteria provided, single submitter. Criteria: Myriad Autosomal Dominant, Autosomal Recessive and X-Linked Classification Criteria (2023). Collection method: clinical testing. Allele origin: unknown.
Comment: NM_000108.3(DLD):c.405_407delAGG(G137del) is an in-frame deletion classified as likely pathogenic in the context of dihydrolipoamide dehydrogenase deficiency. G137del has been observed in cases with relevant disease (PMID: 9540846, 23290025). Relevant functional assessments of this variant are not available in the literature. Internal structural analysis of the variant is supportive of pathogenicity. G137del has not been observed in referenced population frequency databases. In summary, NM_000108.3(DLD):c.405_407delAGG(G137del) is an in-frame deletion that has internal structural support for pathogenicity and has been observed more frequently in cases with the relevant disease than in healthy populations. Please note: this variant was assessed in the context of healthy population screening.

GeneDx
Classification: Pathogenic. Last evaluated: 2025-05-03. Review status: criteria provided, single submitter. Criteria: GeneDx Variant Classification Process June 2021. Collection method: clinical testing. Allele origin: germline. Affected: yes.
Comment: Published functional studies demonstrate a near-complete loss of DLD enzymatic activity (PMID: 37446004); Not observed at significant frequency in large population cohorts (gnomAD); In-frame deletion of 1 amino acid(s) in a non-repeat region; In silico analysis supports a deleterious effect on protein structure/function; Also known as c.455_457del p.(G101del); This variant is associated with the following publications: (PMID: 23290025, 9540846, 37446004)

Natera, Inc.
Classification: Likely pathogenic for Maple syrup urine disease type 3. Last evaluated: 2025-01-14. Review status: criteria provided, single submitter. Criteria: Natera Variant Classification Schema (03/2026). Collection method: clinical testing. Allele origin: germline.
Comment: The c.405_407delAGG variant in DLD is an in-frame deletion predicted to remove glycine at amino acid 137 while preserving the reading frame. This variant is rare in the general population with a frequency below the threshold expected for the associated phenotype(s). This variant has been observed in one or more individuals affected with the associated recessive disease, as either homozygous or compound heterozygous with a second variant (PMID: 9540846, 23290025). This variant results in a change to the protein length while preserving reading frame, which may disrupt normal protein structure or function. Computational prediction algorithms indicate this variant is likely to affect gene or protein function. Given the available evidence, this variant is classified as Likely Pathogenic.

Literature cited by the submitters: PubMed 23290025 (cited by Myriad Genetics, Inc. and Natera, Inc.); PubMed 9540846 (cited by Myriad Genetics, Inc. and Natera, Inc.).

NM_000108.5(DLD):c.405_407del (p.Gly137del)

Gene: DLD (dihydrolipoamide dehydrogenase; plus strand). Cytogenetic location: 7q31.1.
Variant type: Deletion.
Coding change: c.405_407del on transcript NM_000108.5 (MANE Select); coding-DNA positions 405 to 407, 3 bases deleted (AGG; older notation c.405_407delAGG).
Protein change: p.Gly137del; deletes glycine 137.
Genome position (GRCh38, 1-based): chr7:107,905,025-107,905,027, AGG deleted. VCF-style (leftmost placement, unchanged base first): chr7-107905024-CAGG-C. GRCh37 (hg19) VCF-style: chr7-107545469-CAGG-C.
Other names: c.108_110del, p.Gly38del (NM_001289750.1); c.336_338del, p.Gly114del (NM_001289751.1); c.405_407del, p.Gly137del (NM_001289752.1); c.405_407delAGG (NM_000108.4); short protein forms G114del, G137del, G38del.
Identifiers: ClinVar variation 4528241 (VCV004528241.3).